The following is an entry in ClinVar:

NM_006059.4(LAMC3):c.2692T>C (p.Cys898Arg)

Gene: LAMC3 (laminin subunit gamma 3; plus strand). Cytogenetic location: 9q34.12.
Variant type: single nucleotide variant.
Coding change: c.2692T>C on transcript NM_006059.4 (MANE Select); coding-DNA position 2692, T replaced by C.
Protein change: p.Cys898Arg; replaces cysteine 898 with arginine.
Molecular consequence: missense variant.
Genome position (GRCh38, 1-based): chr9:131,068,176, T>C. VCF-style: chr9-131068176-T-C. GRCh37 (hg19) VCF-style: chr9-133943563-T-C.
Other names: short protein forms C898R.
Identifiers: ClinVar variation 2079694 (VCV002079694.4), dbSNP rs746498538, ClinGen allele CA375253746.
Genomic context (GRCh38, chr9:131,068,176, plus strand): 5'-ATGCCCTGCGACCCAGTGACAGGCCAATGCTCCTGCCTGCCTCATGTGACTGCACGGGAC[T>C]GCAGCCGCTGCTACCCTGGCTTCTTCGACCTCCAGCCTGGGAGGGGCTGCCGGAGGTAGG-3'
Protein context (NP_006050.3, residues 888-908): SCLPHVTARD[Cys898Arg]SRCYPGFFDL

ClinVar aggregate classification (germline): Uncertain significance (1 of 4 stars; one submission).

gnomAD v4.1: 1 of 1,613,210 alleles (0.000062%); highest among the groups gnomAD compares: Non-Finnish European, 0.000085%; no homozygotes.

Submission:

Labcorp Genetics (formerly Invitae), Labcorp
Classification: Uncertain significance. Last evaluated: 2022-03-24. Review status: criteria provided, single submitter. Criteria: Invitae Variant Classification Sherloc (09022015). Collection method: clinical testing. Allele origin: germline.
Comment: This variant is not present in population databases (gnomAD no frequency). In summary, the available evidence is currently insufficient to determine the role of this variant in disease. Therefore, it has been classified as a Variant of Uncertain Significance. Algorithms developed to predict the effect of missense changes on protein structure and function are either unavailable or do not agree on the potential impact of this missense change (SIFT: "Deleterious"; PolyPhen-2: "Probably Damaging"; Align-GVGD: "Class C0"). This variant has not been reported in the literature in individuals affected with LAMC3-related conditions. This sequence change replaces cysteine, which is neutral and slightly polar, with arginine, which is basic and polar, at codon 898 of the LAMC3 protein (p.Cys898Arg).